The following is an entry in ClinVar:

ClinVar aggregate classification (germline): Likely pathogenic (1 of 4 stars; one submission).

Conditions:
Classic homocystinuria. Also called: HOMOCYSTINURIA WITH OR WITHOUT RESPONSE TO PYRIDOXINE; Homocystinuria due to CBS deficiency; Cystathionine beta-synthase deficiency; CBS deficiency; Homocystinuria due to Cystathionine Beta-Synthase Deficiency. Identifiers: Orphanet 394, MedGen C0751202, MONDO:0009352, OMIM 236200.

Submission:

Natera, Inc.
Classification: Likely pathogenic for Homocystinuria due to cystathionine beta-synthase deficiency. Last evaluated: 2025-06-23. Review status: criteria provided, single submitter. Criteria: Natera Variant Classification Schema (03/2026). Collection method: clinical testing. Allele origin: germline.
Comment: The c.1046G>A variant in CBS is a missense variant predicted to cause substitution of serine to asparagine at amino acid 349. This variant is rare in the general population with a frequency below the threshold expected for the associated phenotype(s). This variant has been observed in one or more individuals affected with the associated recessive disease, as either homozygous or compound heterozygous with a second variant (PMID: 24211323, 12815602). Computational prediction algorithms indicate this variant is likely to affect gene or protein function. Given the available evidence, this variant is classified as Likely Pathogenic.

Literature cited by the submitters: PubMed 24211323; PubMed 12815602.

NM_000071.3(CBS):c.1046G>A (p.Ser349Asn)

Gene: CBS (cystathionine beta-synthase; minus strand). Cytogenetic location: 21q22.3.
Variant type: single nucleotide variant.
Coding change: c.1046G>A on transcript NM_000071.3 (MANE Select); coding-DNA position 1046, G replaced by A.
Protein change: p.Ser349Asn; replaces serine 349 with asparagine.
Molecular consequence: missense variant.
Genome position (GRCh38, 1-based): chr21:43,060,540, C>T on the plus strand (G>A on the coding strand, the complement: CBS is on the minus strand). VCF-style: chr21-43060540-C-T. GRCh37 (hg19) VCF-style: chr21-44480650-C-T.
Other names: c.1046G>A, p.Ser349Asn (NM_001178008.3, NM_001178009.3, NM_001320298.2); c.731G>A, p.Ser244Asn (NM_001321072.1); short protein forms S244N, S349N.
Identifiers: ClinVar variation 4816450 (VCV004816450.1).
Genomic context (GRCh38, chr21:43,060,540, plus strand): 5'-CGCTGGCCCTCCTGCAGCTCCTGCGCGGCCTTCACGGCCACCGCCACCGTGCTGCCAGCA[C>T]TGCCACCTGCAGAGAGGGCCACGAGTCAGACGCGCCAGGGTGAGCGTGCGTGGGTGCACA-3'
Protein context (NP_000062.1, residues 339-359): IAQEGLLCGG[Ser349Asn]AGSTVAVAVK